The following is an entry in ClinVar:

NM_006129.5(BMP1):c.*328T>C

Gene: BMP1 (bone morphogenetic protein 1; plus strand). Cytogenetic location: 8p21.3.
Variant type: single nucleotide variant.
Coding change: c.*328T>C on transcript NM_006129.5 (MANE Select); 328 bases downstream of the stop codon, T replaced by C.
Molecular consequence: 3 prime UTR variant. On other transcripts: non-coding transcript variant (1).
Genome position (GRCh38, 1-based): chr8:22,212,056, T>C. VCF-style: chr8-22212056-T-C. GRCh37 (hg19) VCF-style: chr8-22069569-T-C.
Identifiers: ClinVar variation 911651 (VCV000911651.4), dbSNP rs113594473, ClinGen allele CA173476294.

ClinVar aggregate classification (germline): Likely benign (1 of 4 stars; one submission).

Conditions:
Osteogenesis imperfecta type 13. Also called: Osteogenesis imperfecta, type xiii; OI, TYPE XIII. Identifiers: Orphanet 666, MedGen C3553887, MONDO:0013924, OMIM 614856.

Allele frequency attached by ClinVar (database versions not stated): gnomAD exomes 0.00047; gnomAD 0.00293 and 0.00310; 1000 Genomes Project 30x 0.00344; TOPMed 0.00350; 1000 Genomes Project 0.00359.
gnomAD v4.1: 559 of 382,728 alleles (0.15%); highest among the groups gnomAD compares: African/African-American, 1%; 6 homozygotes.

Submission:

Illumina Laboratory Services, Illumina
Classification: Likely benign for Osteogenesis imperfecta type 13. Last evaluated: 2018-01-12. Review status: criteria provided, single submitter. Criteria: ICSL Variant Classification Criteria 13 December 2019. Collection method: clinical testing. Allele origin: germline.
Comment: This variant was observed in the ICSL laboratory as part of a predisposition screen in an ostensibly healthy population. It had not been previously curated by ICSL or reported in the Human Gene Mutation Database (HGMD: prior to June 1st, 2018), and was therefore a candidate for classification through an automated scoring system. Utilizing variant allele frequency, disease prevalence and penetrance estimates, and inheritance mode, an automated score was calculated to assess if this variant is too frequent to cause the disease. Based on the score and internal cut-off values, a variant classified as likely benign is not then subjected to further curation. The score for this variant resulted in a classification of likely benign for this disease.